The following is an entry in ClinVar:

NM_173728.4(ARHGEF15):c.452G>A (p.Arg151Gln)

Gene: ARHGEF15 (Rho guanine nucleotide exchange factor 15; plus strand). Cytogenetic location: 17p13.1.
Variant type: single nucleotide variant.
Coding change: c.452G>A on transcript NM_173728.4 (MANE Select); coding-DNA position 452, G replaced by A.
Protein change: p.Arg151Gln; replaces arginine 151 with glutamine.
Molecular consequence: missense variant.
Genome position (GRCh38, 1-based): chr17:8,312,491, G>A. VCF-style: chr17-8312491-G-A. GRCh37 (hg19) VCF-style: chr17-8215809-G-A.
Other names: c.452G>A, p.Arg151Gln (NM_025014.2); short protein forms R151Q.
Identifiers: ClinVar variation 961906 (VCV000961906.15), dbSNP rs374195875, ClinGen allele CA8374862.

ClinVar aggregate classification (germline): Uncertain significance. Review status: criteria provided, multiple submitters, no conflicts (2 of 4 stars). 2 submissions from 2 submitters: Uncertain significance (2). Last evaluated 2025-08-20.

Conditions:
Early-infantile DEE. Also called: Ohtahara syndrome; Early infantile epileptic encephalopathy with suppression bursts; Early infantile epileptic encephalopathy. Identifiers: Orphanet 1934, MedGen C0393706, MONDO:0800491.

Allele frequency attached by ClinVar (database versions not stated): gnomAD exomes 0.00002; ExAC 0.00003; TOPMed 0.00004; gnomAD 0.00005 and 0.00006; ESP Exome Variant Server 0.00008.
gnomAD v4.1: 36 of 1,613,062 alleles (0.0022%); highest among the groups gnomAD compares: African/African-American, 0.008%; no homozygotes.

Submissions (2):

Labcorp Genetics (formerly Invitae), Labcorp
Classification: Uncertain significance for Early-infantile DEE. Last evaluated: 2025-08-20. Review status: criteria provided, single submitter. Criteria: Invitae Variant Classification Sherloc (09022015). Collection method: clinical testing. Allele origin: germline.
Comment: This sequence change replaces arginine, which is basic and polar, with glutamine, which is neutral and polar, at codon 151 of the ARHGEF15 protein (p.Arg151Gln). This variant is present in population databases (rs374195875, gnomAD 0.008%). This variant has not been reported in the literature in individuals affected with ARHGEF15-related conditions. ClinVar contains an entry for this variant (Variation ID: 961906). An algorithm developed to predict the effect of missense changes on protein structure and function (PolyPhen-2) suggests that this variant is likely to be disruptive. In summary, the available evidence is currently insufficient to determine the role of this variant in disease. Therefore, it has been classified as a Variant of Uncertain Significance.

Ambry Genetics
Classification: Uncertain significance. Last evaluated: 2024-08-20. Review status: criteria provided, single submitter. Criteria: Ambry Variant Classification Scheme 2023. Collection method: clinical testing. Allele origin: germline.